The following is an entry in ClinVar:

NM_005961.3(MUC6):c.4998C>T (p.His1666=)

Gene: MUC6 (mucin 6, oligomeric mucus/gel-forming (gene/pseudogene); minus strand). Cytogenetic location: 11p15.5.
Variant type: single nucleotide variant.
Coding change: c.4998C>T on transcript NM_005961.3 (MANE Select); coding-DNA position 4998, C replaced by T.
Protein change: p.His1666=; no amino-acid change (histidine 1666 retained).
Molecular consequence: synonymous variant.
Genome position (GRCh38, 1-based): chr11:1,017,803, G>A on the plus strand (C>T on the coding strand, the complement: MUC6 is on the minus strand). VCF-style: chr11-1017803-G-A. GRCh37 (hg19) VCF-style: chr11-1017803-G-A.
Identifiers: ClinVar variation 3905094 (VCV003905094.10).
Genomic context (GRCh38, chr11:1,017,803, plus strand): 5'-GTTTAATGAGCTCAGGGCTTGGCTGGTCCCGCTGGTGGTCAGCGTCATTGTTGGCGCTGT[G>A]TGGGTGGACCCTGTGGCCTTGAGCGTTGTCGGTGGAGGAATCGTGCCTGTTGGCATTGAG-3'
Protein context (NP_005952.2, residues 1656-1676): PTTLKATGST[His1666=]TAPTMTLTTS

ClinVar aggregate classification (germline): Likely benign (1 of 4 stars; one submission).

Submission:

CeGaT Center for Human Genetics Tuebingen
Classification: Likely benign. Last evaluated: 2025-04-01. Review status: criteria provided, single submitter. Criteria: CeGaT Center For Human Genetics Tuebingen Variant Classification Criteria Version 2. Collection method: clinical testing. Allele origin: germline. Affected: yes. Observed: 1 variant allele.
Comment: MUC6: BP4, BP7